The following is an entry in ClinVar:

NM_002474.3(MYH11):c.4225G>A (p.Glu1409Lys)

Genes: MYH11 (myosin heavy chain 11; minus strand), NDE1 (nudE neurodevelopment protein 1; plus strand). Cytogenetic location: 16p13.11.
Variant type: single nucleotide variant.
Coding change: c.4225G>A on transcript NM_002474.3 (MANE Select); coding-DNA position 4225, G replaced by A.
Protein change: p.Glu1409Lys; replaces glutamic acid 1409 with lysine.
Molecular consequence: missense variant. On other transcripts: 3 prime UTR variant (2).
Genome position (GRCh38, 1-based): chr16:15,724,301, C>T on the plus strand (G>A on the coding strand, the complement: MYH11 is on the minus strand). VCF-style: chr16-15724301-C-T. GRCh37 (hg19) VCF-style: chr16-15818158-C-T.
Other names: c.4246G>A, p.Glu1416Lys (NM_001040113.2, NM_001040114.2); c.4225G>A, p.Glu1409Lys (NM_022844.3); c.*50C>T (NM_001143979.2, NM_017668.3); short protein forms E1409K, E1416K.
Identifiers: ClinVar variation 1508729 (VCV001508729.9), dbSNP rs760096354, ClinGen allele CA7921732.

ClinVar aggregate classification (germline): Uncertain significance. Review status: criteria provided, multiple submitters, no conflicts (2 of 4 stars). 4 submissions from 4 submitters: Uncertain significance (4). Last evaluated 2025-07-20.

Conditions:
Familial thoracic aortic aneurysm and aortic dissection (TAAD). Also called: Thoracic aortic aneurysms and dissections. Identifiers: Orphanet 91387, MedGen C4707243, MONDO:0019625.
Aortic aneurysm, familial thoracic 4 (AAT4). Also called: AORTIC ANEURYSM/AORTIC DISSECTION AND PATENT DUCTUS ARTERIOSUS. Identifiers: MedGen C1851504, MONDO:0007568, OMIM 132900.

Allele frequency attached by ClinVar (database versions not stated): gnomAD 0.00001; gnomAD exomes 0.00001; TOPMed 0.00001; ExAC 0.00002.
gnomAD v4.1: 10 of 1,614,094 alleles (0.00062%); highest among the groups gnomAD compares: South Asian, 0.0022%; no homozygotes.

Submissions (4):

Color Diagnostics, LLC DBA Color Health
Classification: Uncertain significance for Familial thoracic aortic aneurysm and aortic dissection. Last evaluated: 2025-07-20. Review status: criteria provided, single submitter. Criteria: ACMG Guidelines, 2015. Collection method: clinical testing. Allele origin: germline.
Comment: This missense variant replaces glutamic acid with lysine at codon 1416 of the MYH11 protein. Computational prediction suggests that this variant may have deleterious impact on protein structure and function. To our knowledge, functional studies have not been reported for this variant. This variant has not been reported in individuals affected with MYH11-related disorders in the literature. This variant has been identified in 3/251478 chromosomes in the general population by the Genome Aggregation Database (gnomAD). The available evidence is insufficient to determine the role of this variant in disease conclusively. Therefore, this variant is classified as a Variant of Uncertain Significance.

All of Us Research Program, National Institutes of Health
Classification: Uncertain significance for Familial thoracic aortic aneurysm and aortic dissection. Last evaluated: 2024-08-06. Review status: criteria provided, single submitter. Criteria: ACMG Guidelines, 2015. Collection method: clinical testing. Allele origin: germline. Inheritance: Autosomal dominant inheritance. Observed: 1 variant allele, 1 heterozygote.
Comment: This study involves interpretation of variants in research participants for the purpose of population health screening. Participant phenotype was not available at the time of variant classification. Additional details can be found in publication PMID: 35346344, PMCID: PMC8962531

Labcorp Genetics (formerly Invitae), Labcorp
Classification: Uncertain significance for Aortic aneurysm, familial thoracic 4. Last evaluated: 2021-09-01. Review status: criteria provided, single submitter. Criteria: Invitae Variant Classification Sherloc (09022015). Collection method: clinical testing. Allele origin: germline.
Comment: This sequence change replaces glutamic acid with lysine at codon 1416 of the MYH11 protein (p.Glu1416Lys). The glutamic acid residue is highly conserved and there is a small physicochemical difference between glutamic acid and lysine. This variant is present in population databases (rs760096354, ExAC 0.006%). This variant has not been reported in the literature in individuals affected with MYH11-related conditions. Algorithms developed to predict the effect of missense changes on protein structure and function (SIFT, PolyPhen-2, Align-GVGD) all suggest that this variant is likely to be disruptive. In summary, the available evidence is currently insufficient to determine the role of this variant in disease. Therefore, it has been classified as a Variant of Uncertain Significance.

Ambry Genetics
Classification: Uncertain significance for Familial thoracic aortic aneurysm and aortic dissection. Last evaluated: 2020-12-07. Review status: criteria provided, single submitter. Criteria: Ambry Variant Classification Scheme 2023. Collection method: clinical testing. Allele origin: germline.
Comment: The p.E1409K variant (also known as c.4225G>A), located in coding exon 30 of the MYH11 gene, results from a G to A substitution at nucleotide position 4225. The glutamic acid at codon 1409 is replaced by lysine, an amino acid with similar properties. This amino acid position is highly conserved in available vertebrate species. In addition, this alteration is predicted to be deleterious by in silico analysis. Since supporting evidence is limited at this time, the clinical significance of this alteration remains unclear.